The following is an entry in ClinVar:

NM_206933.4(USH2A):c.11842A>G (p.Lys3948Glu)

Gene: USH2A (usherin; minus strand). Cytogenetic location: 1q41.
Variant type: single nucleotide variant.
Coding change: c.11842A>G on transcript NM_206933.4 (MANE Select); coding-DNA position 11842, A replaced by G.
Protein change: p.Lys3948Glu; replaces lysine 3948 with glutamic acid.
Molecular consequence: missense variant.
Genome position (GRCh38, 1-based): chr1:215,728,254, T>C on the plus strand (A>G on the coding strand, the complement: USH2A is on the minus strand). VCF-style: chr1-215728254-T-C. GRCh37 (hg19) VCF-style: chr1-215901596-T-C.
Other names: short protein forms K3948E.
Identifiers: ClinVar variation 1047012 (VCV001047012.8), dbSNP rs1659890171, ClinGen allele CA344828994.

ClinVar aggregate classification (germline): Uncertain significance (1 of 4 stars; one submission).

Submission:

Labcorp Genetics (formerly Invitae), Labcorp
Classification: Uncertain significance. Last evaluated: 2023-10-24. Review status: criteria provided, single submitter. Criteria: Invitae Variant Classification Sherloc (09022015). Collection method: clinical testing. Allele origin: germline.
Comment: This sequence change replaces lysine, which is basic and polar, with glutamic acid, which is acidic and polar, at codon 3948 of the USH2A protein (p.Lys3948Glu). This variant is not present in population databases (gnomAD no frequency). This variant has not been reported in the literature in individuals affected with USH2A-related conditions. ClinVar contains an entry for this variant (Variation ID: 1047012). Advanced modeling of protein sequence and biophysical properties (such as structural, functional, and spatial information, amino acid conservation, physicochemical variation, residue mobility, and thermodynamic stability) performed at Invitae indicates that this missense variant is not expected to disrupt USH2A protein function with a negative predictive value of 95%. In summary, the available evidence is currently insufficient to determine the role of this variant in disease. Therefore, it has been classified as a Variant of Uncertain Significance.